The following is an entry in ClinVar:

ClinVar aggregate classification (germline): Pathogenic/Likely pathogenic. Review status: criteria provided, multiple submitters, no conflicts (2 of 4 stars). 3 submissions from 3 submitters: Pathogenic (2); Likely pathogenic (1). Last evaluated 2024-05-20.

Conditions:
Retinoblastoma (RB1). Also called: RETINOBLASTOMA, SOMATIC. Identifiers: Orphanet 790, MedGen C0035335, MeSH D012175, MONDO:0008380, OMIM 180200, HP:0009919. Disease mechanism: loss of function. Inheritance: Both sporadic and heritable forms are tested..

Submissions (3):

Genetic Diagnostic Laboratory, University of Pennsylvania School of Medicine
Classification: Pathogenic for Retinoblastoma. Last evaluated: 2024-05-20. Review status: criteria provided, single submitter. Criteria: ACMG Guidelines, 2015. Collection method: clinical testing. Allele origin: germline. Affected: yes. Observed: 1 variant allele.
Comment: Case and Pedigree Information: BILATERAL CASES:0, UNILATERAL CASES:1, TOTAL CASES:1, PEDIGREES:1. ACMG Codes Applied:PVS1, PM2

Labcorp Genetics (formerly Invitae), Labcorp
Classification: Pathogenic for Retinoblastoma. Last evaluated: 2023-07-24. Review status: criteria provided, single submitter. Criteria: Invitae Variant Classification Sherloc (09022015). Collection method: clinical testing. Allele origin: germline.
Comment: This variant is not present in population databases (gnomAD no frequency). This premature translational stop signal has been observed in individual(s) with retinoblastoma (PMID: 33456302). In at least one individual the variant was observed to be de novo. This variant is also known as c.29_60del. ClinVar contains an entry for this variant (Variation ID: 802963). For these reasons, this variant has been classified as Pathogenic. This sequence change creates a premature translational stop signal (p.Ala11Glyfs*9) in the RB1 gene. It is expected to result in an absent or disrupted protein product. Loss-of-function variants in RB1 are known to be pathogenic (PMID: 17096365).

Mendelics
Classification: Likely pathogenic for Retinoblastoma. Last evaluated: 2019-05-28. Review status: criteria provided, single submitter. Criteria: Mendelics Assertion Criteria 2017. Collection method: clinical testing. Allele origin: unknown.

Literature cited by the submitters: PubMed 33456302 (cited by Labcorp Genetics (formerly Invitae), Labcorp); PubMed 17096365 (cited by Labcorp Genetics (formerly Invitae), Labcorp).

NM_000321.3(RB1):c.32_63del (p.Ala11fs)

Gene: RB1 (RB transcriptional corepressor 1; plus strand). Cytogenetic location: 13q14.2.
Variant type: Deletion.
Coding change: c.32_63del on transcript NM_000321.3 (MANE Select); coding-DNA positions 32 to 63, 32 bases deleted.
Protein change: p.Ala11fs; shifts the reading frame from alanine 11.
Molecular consequence: frameshift variant.
Genome position (GRCh38, 1-based): chr13:48,303,944-48,303,975, 32 bases deleted; deleting any 32 consecutive bases within chr13:48,303,941-48,303,975 gives the same sequence; the c. name uses the placement nearest the transcript's 3' end. GRCh37 (hg19): chr13:48,878,080-48,878,111.
Other names: short protein forms A11fs.
Identifiers: ClinVar variation 802963 (VCV000802963.5), dbSNP rs1593411974, ClinGen allele CA915948544.